The following is an entry in ClinVar:

ClinVar aggregate classification (germline): Uncertain significance (1 of 4 stars; one submission).

Conditions:
Surfactant metabolism dysfunction, pulmonary, 4 (SMDP4). Also called: PAP DUE TO CSF2RA DEFICIENCY; PULMONARY ALVEOLAR PROTEINOSIS, CONGENITAL, 4; CSF2RA DEFICIENCY. Identifiers: Orphanet 264675, MedGen C2677877, MONDO:0010424, OMIM 300770.

Allele frequency attached by ClinVar (database versions not stated): ExAC 0.00002; gnomAD exomes 0.00002; TOPMed 0.00007; ESP Exome Variant Server 0.00008; gnomAD 0.00008 and 0.00009.

Submission:

Labcorp Genetics (formerly Invitae), Labcorp
Classification: Uncertain significance for Surfactant metabolism dysfunction, pulmonary, 4. Last evaluated: 2022-03-19. Review status: criteria provided, single submitter. Criteria: Invitae Variant Classification Sherloc (09022015). Collection method: clinical testing. Allele origin: germline.
Comment: This variant is present in population databases (no rsID available, gnomAD 0.004%). In summary, the available evidence is currently insufficient to determine the role of this variant in disease. Therefore, it has been classified as a Variant of Uncertain Significance. Algorithms developed to predict the effect of missense changes on protein structure and function are either unavailable or do not agree on the potential impact of this missense change (SIFT: "Deleterious"; PolyPhen-2: "Not Available"; Align-GVGD: "Class C0"). ClinVar contains an entry for this variant (Variation ID: 658354). This variant has not been reported in the literature in individuals affected with CSF2RA-related conditions. This sequence change replaces arginine, which is basic and polar, with tryptophan, which is neutral and slightly polar, at codon 164 of the CSF2RA protein (p.Arg164Trp).

NM_172245.4(CSF2RA):c.490C>T (p.Arg164Trp)

Gene: CSF2RA (colony stimulating factor 2 receptor subunit alpha; plus strand). Cytogenetic location: Xp22.33.
Variant type: single nucleotide variant.
Coding change: c.490C>T on transcript NM_172245.4 (MANE Select); coding-DNA position 490, C replaced by T.
Protein change: p.Arg164Trp; replaces arginine 164 with tryptophan.
Molecular consequence: missense variant. On other transcripts: non-coding transcript variant (1).
Genome position (GRCh38, 1-based): chrX:1,290,353, C>T. VCF-style: chrX-1290353-C-T. GRCh37 (hg19) VCF-style: chrX-1409246-C-T.
Other names: c.490C>T, p.Arg164Trp (NM_001161529.2, NM_001161530.2, NM_001161531.2 and 20 more transcripts); c.91C>T, p.Arg31Trp (NM_001161532.2); short protein forms R164W, R31W.
Identifiers: ClinVar variation 658354 (VCV000658354.8), dbSNP rs145093302, ClinGen allele CA10330852.